The following is an entry in ClinVar:

NM_000334.4(SCN4A):c.664C>T (p.Arg222Trp)

Gene: SCN4A (sodium voltage-gated channel alpha subunit 4; minus strand). Cytogenetic location: 17q23.3.
Variant type: single nucleotide variant.
Coding change: c.664C>T on transcript NM_000334.4 (MANE Select); coding-DNA position 664, C replaced by T.
Protein change: p.Arg222Trp; replaces arginine 222 with tryptophan.
Molecular consequence: missense variant.
Genome position (GRCh38, 1-based): chr17:63,971,201, G>A on the plus strand (C>T on the coding strand, the complement: SCN4A is on the minus strand). VCF-style: chr17-63971201-G-A. GRCh37 (hg19) VCF-style: chr17-62048561-G-A.
Other names: short protein forms R222W.
Identifiers: ClinVar variation 143199 (VCV000143199.28), dbSNP rs527236148, ClinGen allele CA345718.

ClinVar aggregate classification (germline): Pathogenic/Likely pathogenic. Review status: criteria provided, multiple submitters, no conflicts (2 of 4 stars). 10 submissions from 10 submitters: Pathogenic (6); Likely pathogenic (1). 3 of the submissions do not count toward it. Last evaluated 2025-12-08.

Conditions:
SCN4A-related disorder. Also called: SCN4A-related disorders.
Potassium-aggravated myotonia. Also called: MYOTONIA CONGENITA, ACETAZOLAMIDE-RESPONSIVE; MYOTONIA CONGENITA, ATYPICAL; SODIUM CHANNEL MUSCLE DISEASE; Myotonia congenita, atypical, acetazolamide-responsive. Identifiers: Orphanet 612, Orphanet 99734, Orphanet 99735, Orphanet 99736, MedGen C2931826, MONDO:0018959, OMIM 608390.
Hyperkalemic periodic paralysis. Also called: Familial hyperkalemic periodic paralysis; Gamstorp disease. Identifiers: Orphanet 682, MedGen C0238357, MONDO:0008224, OMIM 170500, HP:0007215.
Paramyotonia congenita of Von Eulenburg. Also called: PARALYSIS PERIODICA PARAMYOTONICA; Eulenburg disease; Myotonia congenita intermittens; Von Eulenburg paramyotonia congenita; Paramyotonia Congenita. Identifiers: Orphanet 684, MedGen C0221055, MONDO:0008195, OMIM 168300. Disease mechanism: loss of function.
Hypokalemic periodic paralysis, type 2 (HOKPP2). Identifiers: Orphanet 681, MedGen C2750061, MONDO:0013234, OMIM 613345.
Congenital myasthenic syndrome 16. Identifiers: Orphanet 590, MedGen C3280112, MONDO:0013620, OMIM 614198.
Hypokalemic periodic paralysis, type 1. Also called: Hypokalemic Periodic Paralysis Type 1 (AD); HypoPP. Identifiers: Orphanet 681, MedGen C3714580, MONDO:0042979, OMIM 170400.

Allele frequency attached by ClinVar (database versions not stated): gnomAD exomes below 0.00001; gnomAD 0.00001.
gnomAD v4.1: 5 of 1,567,078 alleles (0.00032%); highest among the groups gnomAD compares: Admixed American, 0.0019%; no homozygotes.

Submissions (10):

Labcorp Genetics (formerly Invitae), Labcorp
Classification: Pathogenic for Hyperkalemic periodic paralysis. Last evaluated: 2025-12-08. Review status: criteria provided, single submitter. Criteria: Invitae Variant Classification Sherloc (09022015). Collection method: clinical testing. Allele origin: germline.
Comment: This sequence change replaces arginine, which is basic and polar, with tryptophan, which is neutral and slightly polar, at codon 222 of the SCN4A protein (p.Arg222Trp). The frequency data for this variant in the population databases is considered unreliable, as metrics indicate poor data quality at this position in the gnomAD database. This missense change has been observed in individuals with hypokalemic periodic paralysis (PMID: 19118277, 21189962, 21841462, 29419865). It has also been observed to segregate with disease in related individuals. ClinVar contains an entry for this variant (Variation ID: 143199). Invitae Evidence Modeling of protein sequence and biophysical properties (such as structural, functional, and spatial information, amino acid conservation, physicochemical variation, residue mobility, and thermodynamic stability) indicates that this missense variant is expected to disrupt SCN4A protein function with a positive predictive value of 80%. For these reasons, this variant has been classified as Pathogenic.

Victorian Clinical Genetics Services, Murdoch Childrens Research Institute
Classification: Pathogenic for Hypokalemic periodic paralysis, type 2. Last evaluated: 2025-11-24. Review status: criteria provided, single submitter. Criteria: ACMG Guidelines, 2015. Collection method: clinical testing. Allele origin: germline. Affected: yes.
Comment: This variant is classified as Pathogenic. Evidence in support of pathogenic classification: Variant is present in gnomAD <0.01 (v4: 5 heterozygote(s), 0 homozygote(s)); This variant has strong previous evidence of pathogenicity in unrelated individuals. This variant has been classified as pathogenic/likely pathogenic by clinical laboratories in ClinVar, and reported in the literature in heterozygous individuals with hypokalaemic periodic paralysis (PMIDs: 19118277, 29991727, 32407401); Missense variant predicted to be damaging by in silico tool(s) or highly conserved with a major amino acid change. Additional information: Variant is predicted to result in a missense amino acid change from arginine to tryptophan; This variant is heterozygous; This gene is associated with both recessive and dominant disease. Phenotypes involving paralysis and myotonia are typically inherited in a dominant manner, whereas myasthenic syndrome and congenital myopathy display recessive inheritance (OMIM); Alternative amino acid change(s) at the same position are present in gnomAD (Highest allele count: v4: 2 heterozygote(s), 0 homozygote(s)); Variant is located in the annotated ion transport protein domain (DECIPHER, NCBI); Loss of function and gain of function are known mechanisms of disease in this gene and are associated with SCN4A-related disease (OMIM). Functional studies of missense variants have demonstrated both loss of function and gain of protein function effects (OMIM); Variants in this gene are known to have variable expressivity. Clinical phenotypes of autosomal recessive congenital myopathy range from severe lethal fetal hypokinesia to a classical form of congenital myopathy that improves with age (PMID: 26700687). In relation to autosomal dominant hyperkalaemic paralysis and myotonia, some individuals carrying pathogenic variants do not present with a typical clinical phenotype; however, they do have detectable signs of myotonia on EMG (PMID: 20301669).

Mayo Clinic Laboratories, Mayo Clinic
Classification: Pathogenic. Last evaluated: 2024-11-19. Review status: criteria provided, single submitter. Criteria: ACMG Guidelines, 2015. Collection method: clinical testing. Allele origin: germline. Observed: 2 variant alleles.
Comment: PP1_moderate, PP3, PM2_supporting, PS3, PS4_moderate

GeneDx
Classification: Pathogenic. Last evaluated: 2024-04-08. Review status: criteria provided, single submitter. Criteria: GeneDx Variant Classification Process June 2021. Collection method: clinical testing. Allele origin: germline. Affected: yes.
Comment: Identified in individuals with hypokalemic periodic paralysis in published literature and referred for genetic testing at GeneDx (PMID: 19118277, 29991727); Published functional studies demonstrate that this variant results in decreased sodium current and slowed channel activation (PMID: 29991727); In silico analysis supports that this missense variant has a deleterious effect on protein structure/function; This variant is associated with the following publications: (PMID: 29419865, 21841462, 29991727, 29636418, 21189962, 31772215, 32407401, 19118277)

Rady Children's Institute for Genomic Medicine, Rady Children's Hospital San Diego
Classification: Pathogenic for SCN4A-Related Disorders. Last evaluated: 2024-01-11. Review status: criteria provided, single submitter. Criteria: ACMG Guidelines, 2015. Collection method: clinical testing. Allele origin: germline. Affected: yes.
Comment: The c.664C>T (p.Arg222Trp) variant affects a highly conserved amino acid and is predicted by multiple in silico tools to have a deleterious effect on protein function. This variant has been previously reported as a heterozygous change in patients with hypokalemic periodic paralysis and shown to partially segregate with the disease in families (PMID: 19118277, 29636418, 31772215, 32407401, 36779057, 20301512, 21189962). Functional studies indicate this variant leads to reduced sodium current and slowed channel activation (PMID: 29636418, 31772215, 29991727). The c.664C>T (p.Arg222Trp) variant is present in the heterozygous state in the gnomAD population database at a frequency of 0.001% (1/180446) and thus is presumed to be rare. Based on the available evidence, c.664C>T (p.Arg222Trp) is classified as Pathogenic.

Department of Human Genetics, Hannover Medical School
Classification: Pathogenic for Hypokalemic periodic paralysis, type 2. Last evaluated: 2022-02-16. Review status: criteria provided, single submitter. Criteria: ACMG Guidelines, 2015. Collection method: clinical testing. Allele origin: germline. Inheritance: Autosomal dominant inheritance. Affected: yes.

Fulgent Genetics
Classification: Likely pathogenic for Paramyotonia congenita of Von Eulenburg; Hypokalemic periodic paralysis, type 1; Hyperkalemic periodic paralysis; Potassium-aggravated myotonia; Hypokalemic periodic paralysis, type 2; Congenital myasthenic syndrome 16. Last evaluated: 2021-09-17. Review status: criteria provided, single submitter. Criteria: ACMG Guidelines, 2015. Collection method: clinical testing. Allele origin: unknown.

PreventionGenetics, part of Exact Sciences
Classification: Pathogenic for SCN4A-related condition. Last evaluated: 2023-11-22. Review status: no assertion criteria provided. Collection method: clinical testing. Allele origin: germline. Not counted in ClinVar's aggregate classification.
Comment: The SCN4A c.664C>T variant is predicted to result in the amino acid substitution p.Arg222Trp. This variant has been reported in multiple patients with autosomal dominant hypokalemic periodic paralysis (Matthews et al. 2009. PubMed ID: 19118277; Park and Kim. 2010. PubMed ID: 21189962; Sung et al. 2012. PubMed ID: 21841462). This variant is reported in 0.0037% of alleles in individuals of Latino descent in gnomAD. This variant is interpreted as pathogenic.

Department of Neurology and Geriatrics, Kagoshima University Graduate School of Medical and Dental Sciences
Classification: Pathogenic for Hyperkalemic periodic paralysis. Last evaluated: 2022-04-12. Review status: no assertion criteria provided. Collection method: research. Allele origin: germline. Affected: yes. Not counted in ClinVar's aggregate classification.

GeneReviews
No classification provided. Condition: Hypokalemic periodic paralysis, type 2. Review status: no classification provided. Collection method: literature only. Allele origin: germline. Not counted in ClinVar's aggregate classification.

Literature cited by the submitters: PubMed 19118277 (cited by Labcorp Genetics (formerly Invitae), Labcorp and Victorian Clinical Genetics Services, Murdoch Childrens Research Institute); PubMed 21189962 (cited by Labcorp Genetics (formerly Invitae), Labcorp and Mayo Clinic Laboratories, Mayo Clinic); PubMed 21841462 (cited by Labcorp Genetics (formerly Invitae), Labcorp and Mayo Clinic Laboratories, Mayo Clinic); PubMed 29419865 (cited by Labcorp Genetics (formerly Invitae), Labcorp and Mayo Clinic Laboratories, Mayo Clinic); PubMed 32407401 (cited by Victorian Clinical Genetics Services, Murdoch Childrens Research Institute and Mayo Clinic Laboratories, Mayo Clinic); PubMed 20301669 (cited by Victorian Clinical Genetics Services, Murdoch Childrens Research Institute); PubMed 29991727 (cited by Victorian Clinical Genetics Services, Murdoch Childrens Research Institute and Mayo Clinic Laboratories, Mayo Clinic); PubMed 26700687 (cited by Victorian Clinical Genetics Services, Murdoch Childrens Research Institute); PubMed 1918277 (cited by Mayo Clinic Laboratories, Mayo Clinic); PubMed 31772215 (cited by Mayo Clinic Laboratories, Mayo Clinic); PubMed 36779057 (cited by Mayo Clinic Laboratories, Mayo Clinic); PubMed 38609989 (cited by Mayo Clinic Laboratories, Mayo Clinic).